The following is an entry in ClinVar:

NM_001035.3(RYR2):c.1241G>A (p.Arg414His)

Gene: RYR2 (ryanodine receptor 2; plus strand). Cytogenetic location: 1q43.
Variant type: single nucleotide variant.
Coding change: c.1241G>A on transcript NM_001035.3 (MANE Select); coding-DNA position 1241, G replaced by A.
Protein change: p.Arg414His; replaces arginine 414 with histidine.
Molecular consequence: missense variant.
Genome position (GRCh38, 1-based): chr1:237,445,471, G>A. VCF-style: chr1-237445471-G-A. GRCh37 (hg19) VCF-style: chr1-237608771-G-A.
Other names: short protein forms R414H.
Identifiers: ClinVar variation 846341 (VCV000846341.24), dbSNP rs371121679, ClinGen allele CA39779763.
Genomic context (GRCh38, chr1:237,445,471, plus strand): 5'-ATCATGAAGGCCACATGGATGATGGCATAAGTTTGTCGAGATCCCAGCATGAAGAATCAC[G>A]CACAGCCCGAGTTATCCGGAGCACAGTCTTCCTTTTCAATAGATTTATAAGGTACTTTTT-3'
Protein context (NP_001026.2, residues 404-424): SLSRSQHEES[Arg414His]TARVIRSTVF

ClinVar aggregate classification (germline): Conflicting classifications of pathogenicity. Review status: criteria provided, conflicting classifications (1 of 4 stars). 9 submissions from 8 submitters: Uncertain significance (6); Likely benign (1). 2 of the submissions do not count toward it. Last evaluated 2025-08-18.

Conditions:
Ventricular arrhythmias due to cardiac ryanodine receptor calcium release deficiency syndrome. Also called: Autosomal dominant cardiac arrhythmia (Kuhn). Identifiers: MedGen C5542154, MONDO:0020745, OMIM 115000.
Catecholaminergic polymorphic ventricular tachycardia 1. Also called: VENTRICULAR TACHYCARDIA, CATECHOLAMINERGIC POLYMORPHIC, 1, WITH OR WITHOUT ATRIAL DYSFUNCTION AND/OR DILATED CARDIOMYOPATHY; VENTRICULAR TACHYCARDIA, STRESS-INDUCED POLYMORPHIC 1; RYR2-Related Catecholaminergic Polymorphic Ventricular Tachycardia. Identifiers: Orphanet 3286, MedGen C1631597, MONDO:0011484, OMIM 604772.
Cardiomyopathy (CMYO). Also called: Cardiomyopathies. Identifiers: Orphanet 167848, MedGen C0878544, MONDO:0004994, HP:0001638. Inheritance: Various modes of inheritance.
Catecholaminergic polymorphic ventricular tachycardia (CVPT). Also called: Catecholamine-induced polymorphic ventricular tachycardia. Identifiers: Orphanet 3286, MedGen C5574922, MONDO:0017990.
Arrhythmogenic right ventricular dysplasia 2. Identifiers: MedGen C1832931.

Allele frequency attached by ClinVar (database versions not stated): gnomAD exomes 0.00001 and 0.00004; gnomAD 0.00002 and 0.00003; TOPMed 0.00003; ESP Exome Variant Server 0.00008.
gnomAD v4.1: 60 of 1,613,574 alleles (0.0037%); highest among the groups gnomAD compares: South Asian, 0.0055%; no homozygotes.

Submissions (9):

Labcorp Genetics (formerly Invitae), Labcorp
Classification: Likely benign for Catecholaminergic polymorphic ventricular tachycardia 1. Last evaluated: 2025-08-18. Review status: criteria provided, single submitter. Criteria: Invitae Variant Classification Sherloc (09022015). Collection method: clinical testing. Allele origin: germline.

All of Us Research Program, National Institutes of Health
Classification: Uncertain significance for Catecholaminergic polymorphic ventricular tachycardia. Last evaluated: 2024-08-29. Review status: criteria provided, single submitter. Criteria: ACMG Guidelines, 2015. Collection method: clinical testing. Allele origin: germline. Inheritance: Autosomal dominant inheritance. Observed: 15 variant alleles, 15 heterozygotes.
Comment: This missense variant replaces arginine with histidine at codon 414 of the RYR2 protein. Computational prediction tools and conservation analyses are inconclusive regarding the impact of this variant on the protein function. Computational splicing tools suggest that this variant may not impact RNA splicing. To our knowledge, functional assays have not been performed for this variant nor has this variant been reported in individuals affected with cardiovascular disorders in the literature. This variant has been identified in 3/280416 chromosomes in the general population by the Genome Aggregation Database (gnomAD). Available evidence is insufficient to determine the role of this variant in disease conclusively. Therefore, this variant is classified as a Variant of Uncertain Significance.

This study involves interpretation of variants in research participants for the purpose of population health screening. Participant phenotype was not available at the time of variant classification. Additional details can be found in publication PMID: 35346344, PMCID: PMC8962531

Color Diagnostics, LLC DBA Color Health
Classification: Uncertain significance for Cardiomyopathy. Last evaluated: 2024-06-06. Review status: criteria provided, single submitter. Criteria: ACMG Guidelines, 2015. Collection method: clinical testing. Allele origin: germline.
Comment: This missense variant replaces arginine with histidine at codon 414 of the RYR2 protein. Computational prediction is inconclusive regarding the impact of this variant on protein structure and function. To our knowledge, functional studies have not been reported for this variant. This variant has not been reported in individuals affected with RYR2-related disorders in the literature. This variant has been identified in 3/280416 chromosomes in the general population by the Genome Aggregation Database (gnomAD). The available evidence is insufficient to determine the role of this variant in disease conclusively. Therefore, this variant is classified as a Variant of Uncertain Significance.

Fulgent Genetics
Classification: Uncertain significance for Ventricular arrhythmias due to cardiac ryanodine receptor calcium release deficiency syndrome; Catecholaminergic polymorphic ventricular tachycardia 1. Last evaluated: 2024-04-11. Review status: criteria provided, single submitter. Criteria: ACMG Guidelines, 2015. Collection method: clinical testing. Allele origin: germline.

Broad Center for Mendelian Genomics, Broad Institute of MIT and Harvard
Classification: Uncertain significance. Last evaluated: 2020-01-22. Review status: criteria provided, single submitter. Criteria: ACMG Guidelines, 2015. Collection method: curation. Allele origin: germline.
Comment: The p.Arg414His variant in RYR2 has not been previously reported in individuals with catecholaminergic polymorphic ventricular tachycardia, CPVT, but has been identified in 0.005125% (1/19514) of East Asian chromosomes, 0.003268% (1/30602) of South Asian chromosomes, and 0.0007796% (1/128278) of European (non-Finnish) chromosomes by the Genome Aggregation Database (gnomAD; dbSNP rs371121679). Although this variant has been seen in the general population, its frequency is low enough to be consistent with a dominant frequency for disease with incomplete penetrance. Please note that for diseases with clinical variability, or reduced penetrance, pathogenic variants may be present at a low frequency in the general population and CPVT is known to be incompletely penetrant (PMID: 20301466). Computational prediction tools and conservation analyses do not provide strong support for or against an impact to the protein. Two additional variants, resulting in a different amino acid change at the same position, p.Arg414Leu and p.Arg414Cys, have been reported in 2 individuals in association with unexplained drowning or near drowning due to suspected CPVT in the literature (PMID: 15466642, 15887426). The number of missense variants reported in RYR2 in the general population is lower than expected, suggesting there is little benign variation in this gene and slightly increasing the possibility that a missense variant in this gene may not be tolerated. In summary, while there is some suspicion for a pathogenic role, the clinical significance of this variant is uncertain. ACMG/AMP Criteria applied: PM2, PP2 (Richards 2015).

Illumina Laboratory Services, Illumina
Classification: Uncertain significance for Catecholaminergic polymorphic ventricular tachycardia 1. Last evaluated: 2017-04-27. Review status: criteria provided, single submitter. Criteria: ICSL Variant Classification Criteria 13 December 2019. Collection method: clinical testing. Allele origin: germline.
Comment: This variant was observed as part of a predisposition screen in an ostensibly healthy population. A literature search was performed for the gene, cDNA change, and amino acid change (where applicable). Publications were found based on this search. However, the evidence from the literature, in combination with allele frequency data from public databases where available, was not sufficient to rule this variant in or out of causing disease. Therefore, this variant is classified as a variant of unknown significance.

Illumina Laboratory Services, Illumina
Classification: Uncertain significance for Catecholaminergic polymorphic ventricular tachycardia 1. Last evaluated: 2017-04-27. Review status: criteria provided, single submitter. Criteria: ICSL Variant Classification Criteria 13 December 2019. Collection method: clinical testing. Allele origin: germline.

Clinical Genetics DNA and cytogenetics Diagnostics Lab, Erasmus MC, Erasmus Medical Center
Classification: Uncertain significance. Review status: no assertion criteria provided. Collection method: clinical testing. Allele origin: germline. Affected: yes. Study: VKGL Data-share Consensus. Not counted in ClinVar's aggregate classification.

Clinical Genetics, Academic Medical Center
Classification: Uncertain significance. Review status: no assertion criteria provided. Collection method: clinical testing. Allele origin: germline. Affected: yes. Study: VKGL Data-share Consensus. Not counted in ClinVar's aggregate classification.

Literature cited by the submitters: PubMed 15466642 (cited by Illumina Laboratory Services, Illumina).